The following is an entry in ClinVar:

ClinVar aggregate classification (germline): Uncertain significance (1 of 4 stars; one submission).

Submission:

GeneDx
Classification: Uncertain significance. Last evaluated: 2023-12-01. Review status: criteria provided, single submitter. Criteria: GeneDx Variant Classification Process June 2021. Collection method: clinical testing. Allele origin: germline. Affected: yes.
Comment: Not observed at significant frequency in large population cohorts (gnomAD); In silico analysis supports that this missense variant has a deleterious effect on protein structure/function; Has not been previously published as pathogenic or benign to our knowledge

NM_015335.5(MED13L):c.1598C>T (p.Ser533Phe)

Gene: MED13L (mediator complex subunit 13L; minus strand). Cytogenetic location: 12q24.21.
Variant type: single nucleotide variant.
Coding change: c.1598C>T on transcript NM_015335.5 (MANE Select); coding-DNA position 1598, C replaced by T.
Protein change: p.Ser533Phe; replaces serine 533 with phenylalanine.
Molecular consequence: missense variant.
Genome position (GRCh38, 1-based): chr12:116,008,815, G>A on the plus strand (C>T on the coding strand, the complement: MED13L is on the minus strand). VCF-style: chr12-116008815-G-A. GRCh37 (hg19) VCF-style: chr12-116446620-G-A.
Other names: short protein forms S533F.
Identifiers: ClinVar variation 3365205 (VCV003365205.1).